The following is an entry in ClinVar:

NM_001458.5(FLNC):c.3307_3313del (p.Cys1103fs)

Gene: FLNC (filamin C; plus strand). Cytogenetic location: 7q32.1.
Variant type: Deletion.
Coding change: c.3307_3313del on transcript NM_001458.5 (MANE Select); coding-DNA positions 3307 to 3313, 7 bases deleted (TGCGAGG; older notation c.3307_3313delTGCGAGG).
Protein change: p.Cys1103fs; shifts the reading frame from cysteine 1103.
Molecular consequence: frameshift variant.
Genome position (GRCh38, 1-based): chr7:128,844,772-128,844,778, TGCGAGG deleted. VCF-style (leftmost placement, unchanged base first): chr7-128844771-CTGCGAGG-C. GRCh37 (hg19) VCF-style: chr7-128484825-CTGCGAGG-C.
Other names: c.3307_3313del, p.Cys1103fs (NM_001127487.2); c.3307_3313delTGCGAGG (NM_001458.4); short protein forms C1103fs.
Identifiers: ClinVar variation 1183971 (VCV001183971.6), dbSNP rs2128936386, ClinGen allele CA2499218737.

ClinVar aggregate classification (germline): Pathogenic/Likely pathogenic. Review status: criteria provided, multiple submitters, no conflicts (2 of 4 stars). 4 submissions from 4 submitters: Pathogenic (2); Likely pathogenic (1). 1 of the submissions does not count toward it. Last evaluated 2025-08-03.

Conditions:
FLNC-related disorder. Also called: FLNC-related condition; FLNC-related disorders.
Cardiovascular phenotype. Identifiers: MedGen CN230736.
Cardiomyopathy (CMYO). Also called: Cardiomyopathies. Identifiers: Orphanet 167848, MedGen C0878544, MONDO:0004994, HP:0001638. Inheritance: Various modes of inheritance.
Distal myopathy with posterior leg and anterior hand involvement. Also called: WILLIAMS DISTAL MYOPATHY. Identifiers: Orphanet 63273, MedGen C3279722, MONDO:0013550, OMIM 614065.
Myofibrillar myopathy 5. Also called: Filaminopathy (type); FILAMINOPATHY, AUTOSOMAL DOMINANT. Identifiers: Orphanet 171445, MedGen C1836050, MONDO:0012289, OMIM 609524.
Hypertrophic cardiomyopathy 26. Also called: Cardiomyopathy, familial hypertrophic, 26. Identifiers: Orphanet 75249, MedGen C4310749, MONDO:0014883, OMIM 617047.

Submissions (4):

Labcorp Genetics (formerly Invitae), Labcorp
Classification: Pathogenic for Distal myopathy with posterior leg and anterior hand involvement; Myofibrillar myopathy 5; Hypertrophic cardiomyopathy 26. Last evaluated: 2025-08-03. Review status: criteria provided, single submitter. Criteria: Invitae Variant Classification Sherloc (09022015). Collection method: clinical testing. Allele origin: germline.
Comment: This sequence change creates a premature translational stop signal (p.Cys1103Profs*84) in the FLNC gene. It is expected to result in an absent or disrupted protein product. Loss-of-function variants in FLNC are known to be pathogenic (PMID: 27908349). This variant is not present in population databases (gnomAD no frequency). This variant has not been reported in the literature in individuals affected with FLNC-related conditions. ClinVar contains an entry for this variant (Variation ID: 1183971). For these reasons, this variant has been classified as Pathogenic.

Ambry Genetics
Classification: Pathogenic for Cardiovascular phenotype. Last evaluated: 2025-07-11. Review status: criteria provided, single submitter. Criteria: Ambry Variant Classification Scheme 2023. Collection method: clinical testing. Allele origin: germline.
Comment: The c.3307_3313delTGCGAGG variant, located in coding exon 21 of the FLNC gene, results from a deletion of 7 nucleotides at nucleotide positions 3307 to 3313, causing a translational frameshift with a predicted alternate stop codon (p.C1103Pfs*84). This variant is considered to be rare based on population cohorts in the Genome Aggregation Database (gnomAD). This alteration is expected to result in loss of function by premature protein truncation or nonsense-mediated mRNA decay. As such, this alteration is interpreted as a disease-causing mutation for FLNC-related dilated cardiomyopathy; however, its clinical significance for FLNC-related hypertrophic/restrictive cardiomyopathy and/or skeletal myopathy is uncertain.

Blueprint Genetics
Classification: Likely pathogenic for FLNC-related disorders. Last evaluated: 2020-04-07. Review status: criteria provided, single submitter. Criteria: ACMG Guidelines, 2015. Collection method: clinical testing. Allele origin: germline. Affected: yes. Observed: 2 variant alleles.

Institute of Human Genetics, University of Wuerzburg
Classification: Likely pathogenic for Cardiomyopathy. Review status: no assertion criteria provided. Collection method: clinical testing. Allele origin: unknown. Not counted in ClinVar's aggregate classification.

Literature cited by the submitters: PubMed 27908349 (cited by Labcorp Genetics (formerly Invitae), Labcorp).